The following is an entry in ClinVar:

NM_000132.4(F8):c.2179G>T (p.Val727Phe)

Gene: F8 (coagulation factor VIII; minus strand). Cytogenetic location: Xq28.
Variant type: single nucleotide variant.
Coding change: c.2179G>T on transcript NM_000132.4 (MANE Select); coding-DNA position 2179, G replaced by T.
Protein change: p.Val727Phe; replaces valine 727 with phenylalanine.
Molecular consequence: missense variant.
Genome position (GRCh38, 1-based): chrX:154,931,611, C>A on the plus strand (G>T on the coding strand, the complement: F8 is on the minus strand). VCF-style: chrX-154931611-C-A. GRCh37 (hg19) VCF-style: chrX-154159886-C-A.
Other names: short protein forms V727F.
Identifiers: ClinVar variation 3766796 (VCV003766796.1).

ClinVar aggregate classification (germline): Pathogenic (1 of 4 stars; one submission).

Submission:

ARUP Laboratories, Molecular Genetics and Genomics, ARUP Laboratories
Classification: Pathogenic. Last evaluated: 2024-08-23. Review status: criteria provided, single submitter. Criteria: ARUP Molecular Germline Variant Investigation Process 2024. Collection method: clinical testing. Allele origin: germline.
Comment: The F8 c.2179G>T; p.Val727Phe variant (rs1485277601) is reported in the literature in multiple individuals affected with severe hemophilia A (see F8 database and references therein, Freson 1998). This variant is absent from the Genome Aggregation Database (v2.1.1), indicating it is not a common polymorphism. Computational analyses predict that this variant is deleterious (REVEL: 0.906). Based on available information, this variant is considered to be pathogenic. References: Link to F8 database: Freson K et al. Fluorescent chemical cleavage of mismatches for efficient screening of the factor VIII gene. Hum Mutat. 1998;11(6):470-9. PMID: 9603440.